The following is an entry in ClinVar:

ClinVar aggregate classification (germline): Uncertain significance (1 of 4 stars; one submission).

Submission:

Labcorp Genetics (formerly Invitae), Labcorp
Classification: Uncertain significance. Last evaluated: 2019-10-15. Review status: criteria provided, single submitter. Criteria: Invitae Variant Classification Sherloc (09022015). Collection method: clinical testing. Allele origin: germline.
Comment: In summary, the available evidence is currently insufficient to determine the role of this variant in disease. Therefore, it has been classified as a Variant of Uncertain Significance. Algorithms developed to predict the effect of missense changes on protein structure and function output the following: SIFT: "Tolerated"; PolyPhen-2: "Benign"; Align-GVGD: "Class C0". The isoleucine amino acid residue is found in multiple mammalian species, suggesting that this missense change does not adversely affect protein function. These predictions have not been confirmed by published functional studies and their clinical significance is uncertain. This variant has not been reported in the literature in individuals with RIMS1-related conditions. This variant is not present in population databases (ExAC no frequency). This sequence change replaces methionine with isoleucine at codon 1247 of the RIMS1 protein (p.Met1247Ile). The methionine residue is weakly conserved and there is a small physicochemical difference between methionine and isoleucine.

NM_014989.7(RIMS1):c.3741G>T (p.Met1247Ile)

Gene: RIMS1 (regulating synaptic membrane exocytosis 1; plus strand). Cytogenetic location: 6q13.
Variant type: single nucleotide variant.
Coding change: c.3741G>T on transcript NM_014989.7 (MANE Select); coding-DNA position 3741, G replaced by T.
Protein change: p.Met1247Ile; replaces methionine 1247 with isoleucine.
Molecular consequence: missense variant.
Genome position (GRCh38, 1-based): chr6:72,291,937, G>T. VCF-style: chr6-72291937-G-T. GRCh37 (hg19) VCF-style: chr6-73001640-G-T.
Other names: c.1701G>T, p.Met567Ile (NM_001168407.2, NM_001350422.2); c.1632G>T, p.Met544Ile (NM_001168408.2, NM_001350414.2, NM_001350430.2 and 2 more transcripts); c.1461G>T, p.Met487Ile (NM_001168409.2, NM_001350469.2); c.1659G>T, p.Met553Ile (NM_001168410.2); c.1785G>T, p.Met595Ile (NM_001350415.2, NM_001350445.2); c.1704G>T, p.Met568Ile (NM_001350416.2, NM_001350417.2, NM_001350448.2); c.1707G>T, p.Met569Ile (NM_001350418.2); c.1476G>T, p.Met492Ile (NM_001350419.2, NM_001350423.2, NM_001350444.2); and 31 more; short protein forms M492I, M514I, M516I, M529I, M543I, M544I, M545I, M547I.
Identifiers: ClinVar variation 957795 (VCV000957795.9), dbSNP rs1215196156, ClinGen allele CA364689532.